The following is an entry in ClinVar:

ClinVar aggregate classification (germline): Uncertain significance. Review status: criteria provided, multiple submitters, no conflicts (2 of 4 stars). 2 submissions from 2 submitters: Uncertain significance (2). Last evaluated 2025-06-17.

Conditions:
Hereditary cancer-predisposing syndrome. Also called: Neoplastic Syndromes, Hereditary; Tumor predisposition; Hereditary Cancer Syndrome; Hereditary neoplastic syndrome. Identifiers: Orphanet 140162, MedGen C0027672, MeSH D009386, MONDO:0015356.
Haddad syndrome (OHD). Also called: Ondine-Hirschsprung disease. Identifiers: Orphanet 99803, MedGen C1859049, MONDO:0020493.

Submissions (2):

Ambry Genetics
Classification: Uncertain significance for Hereditary cancer-predisposing syndrome. Last evaluated: 2025-06-17. Review status: criteria provided, single submitter. Criteria: Ambry Variant Classification Scheme 2023. Collection method: clinical testing. Allele origin: germline.
Comment: The p.G303S variant (also known as c.907G>A), located in coding exon 3 of the PHOX2B gene, results from a G to A substitution at nucleotide position 907. The glycine at codon 303 is replaced by serine, an amino acid with similar properties. This amino acid position is highly conserved in available vertebrate species. In addition, this alteration is predicted to be tolerated by in silico analysis. Since supporting evidence is limited at this time, the clinical significance of this alteration remains unclear.

Labcorp Genetics (formerly Invitae), Labcorp
Classification: Uncertain significance for Haddad syndrome. Last evaluated: 2022-11-15. Review status: criteria provided, single submitter. Criteria: Invitae Variant Classification Sherloc (09022015). Collection method: clinical testing. Allele origin: germline.
Comment: This sequence change replaces glycine, which is neutral and non-polar, with serine, which is neutral and polar, at codon 303 of the PHOX2B protein (p.Gly303Ser). In summary, the available evidence is currently insufficient to determine the role of this variant in disease. Therefore, it has been classified as a Variant of Uncertain Significance. Algorithms developed to predict the effect of missense changes on protein structure and function are either unavailable or do not agree on the potential impact of this missense change (SIFT: "Tolerated"; PolyPhen-2: "Not Available"; Align-GVGD: "Class C0"). This variant has not been reported in the literature in individuals affected with PHOX2B-related conditions. This variant is not present in population databases (gnomAD no frequency).

NM_003924.4(PHOX2B):c.907G>A (p.Gly303Ser)

Gene: PHOX2B (paired like homeobox 2B; minus strand). Cytogenetic location: 4p13.
Variant type: single nucleotide variant.
Coding change: c.907G>A on transcript NM_003924.4 (MANE Select); coding-DNA position 907, G replaced by A.
Protein change: p.Gly303Ser; replaces glycine 303 with serine.
Molecular consequence: missense variant.
Genome position (GRCh38, 1-based): chr4:41,745,845, C>T on the plus strand (G>A on the coding strand, the complement: PHOX2B is on the minus strand). VCF-style: chr4-41745845-C-T. GRCh37 (hg19) VCF-style: chr4-41747862-C-T.
Other names: short protein forms G303S.
Identifiers: ClinVar variation 1765704 (VCV001765704.6), dbSNP rs1324644005, ClinGen allele CA356736766.